The following is an entry in ClinVar:

ClinVar aggregate classification (germline): Uncertain significance. Review status: criteria provided, multiple submitters, no conflicts (2 of 4 stars). 2 submissions from 2 submitters: Uncertain significance (2). Last evaluated 2024-11-11.

Conditions:
Familial focal epilepsy with variable foci (FPEVF). Identifiers: Orphanet 98820, MedGen C1858477, MONDO:0020310.

Allele frequency attached by ClinVar (database versions not stated): TOPMed below 0.00001; gnomAD exomes 0.00001.

Submissions (2):

Labcorp Genetics (formerly Invitae), Labcorp
Classification: Uncertain significance for Familial focal epilepsy with variable foci. Last evaluated: 2024-11-11. Review status: criteria provided, single submitter. Criteria: Invitae Variant Classification Sherloc (09022015). Collection method: clinical testing. Allele origin: germline.
Comment: This sequence change replaces valine, which is neutral and non-polar, with methionine, which is neutral and non-polar, at codon 345 of the DEPDC5 protein (p.Val345Met). This variant is not present in population databases (gnomAD no frequency). This variant has not been reported in the literature in individuals affected with DEPDC5-related conditions. ClinVar contains an entry for this variant (Variation ID: 2579764). Experimental studies and prediction algorithms are not available or were not evaluated, and the functional significance of this variant is currently unknown. In summary, the available evidence is currently insufficient to determine the role of this variant in disease. Therefore, it has been classified as a Variant of Uncertain Significance.

GeneDx
Classification: Uncertain significance. Last evaluated: 2023-03-15. Review status: criteria provided, single submitter. Criteria: GeneDx Variant Classification Process June 2021. Collection method: clinical testing. Allele origin: germline. Affected: yes.
Comment: Not observed at significant frequency in large population cohorts (gnomAD); In silico analysis supports that this missense variant has a deleterious effect on protein structure/function; Has not been previously published as pathogenic or benign to our knowledge

NM_001242896.3(DEPDC5):c.1033G>A (p.Val345Met)

Gene: DEPDC5 (DEP domain containing 5, GATOR1 subcomplex subunit; plus strand). Cytogenetic location: 22q12.3.
Variant type: single nucleotide variant.
Coding change: c.1033G>A on transcript NM_001242896.3 (MANE Select); coding-DNA position 1033, G replaced by A.
Protein change: p.Val345Met; replaces valine 345 with methionine.
Molecular consequence: missense variant. On other transcripts: non-coding transcript variant (5).
Genome position (GRCh38, 1-based): chr22:31,802,790, G>A. VCF-style: chr22-31802790-G-A. GRCh37 (hg19) VCF-style: chr22-32198776-G-A.
Other names: c.1033G>A, p.Val345Met (NM_001007188.4, NM_001136029.4, NM_001242897.2 and 7 more transcripts); c.949G>A, p.Val317Met (NM_001369901.1, NM_001369902.1); short protein forms V317M, V345M.
Identifiers: ClinVar variation 2579764 (VCV002579764.3), dbSNP rs1057113713, ClinGen allele CA323354472.